The following is an entry in ClinVar:

ClinVar aggregate classification (germline): Conflicting classifications of pathogenicity. Review status: criteria provided, conflicting classifications (1 of 4 stars). 2 submissions from 2 submitters: Likely pathogenic (1); Uncertain significance (1). Last evaluated 2017-08-25.

Conditions:
Inborn genetic diseases. Identifiers: MedGen C0950123, MeSH D030342.

Allele frequency attached by ClinVar (database versions not stated): TOPMed below 0.00001.

Submissions (2):

GeneDx
Classification: Uncertain significance. Last evaluated: 2017-08-25. Review status: criteria provided, single submitter. Criteria: GeneDx Variant Classification (06012015). Collection method: clinical testing. Allele origin: germline. Affected: yes.
Comment: The D115N (c.343 G>A) variant in the GCH1 gene has previously been reported in an individual with childhood onset primary torsion dystonia which was responsive to benzhexol therapy (Jarman et al., 1997). This variant was also detected in this individual's unaffected father and brother (Jarman et al., 1997). The D115N variant is not observed in large population cohorts (Lek et al., 2016; 1000 Genomes Consortium et al., 2015; Exome Variant Server). The D115N variant is a semi-conservative amino acid substitution, which may impact secondary protein structure as these residues differ in some properties. This substitution occurs at a position that is conserved across species, and in silico analysis predicts this variant is probably damaging to the protein structure/function. Additionally, several in-silico splice prediction models predict that c.343 G>A variant responsible for D115N damages the natural donor site of intron 1 and may lead to abnormal gene splicing. However, in the absence of RNA/functional studies, the actual effect of this sequence change in this individual is unknown. In summary, based on the currently available information, it is unclear whether this variant is a pathogenic variant or a rare benign variant.

Ambry Genetics
Classification: Likely pathogenic for Inborn genetic diseases. Last evaluated: 2016-05-27. Review status: criteria provided, single submitter. Criteria: Ambry exome assertion method (8-5-2015). Collection method: clinical testing. Allele origin: germline. Affected: yes. Observed: 1 variant allele.

NM_000161.3(GCH1):c.343G>A (p.Asp115Asn)

Gene: GCH1 (GTP cyclohydrolase 1; minus strand). Cytogenetic location: 14q22.2.
Variant type: single nucleotide variant.
Coding change: c.343G>A on transcript NM_000161.3 (MANE Select); coding-DNA position 343, G replaced by A.
Protein change: p.Asp115Asn; replaces aspartic acid 115 with asparagine.
Molecular consequence: missense variant.
Genome position (GRCh38, 1-based): chr14:54,902,321, C>T on the plus strand (G>A on the coding strand, the complement: GCH1 is on the minus strand). VCF-style: chr14-54902321-C-T. GRCh37 (hg19) VCF-style: chr14-55369039-C-T.
Other names: c.343G>A, p.Asp115Asn (NM_001024024.2, NM_001024070.2, NM_001024071.2); short protein forms D115N.
Identifiers: ClinVar variation 449486 (VCV000449486.5), dbSNP rs1393095176, ClinGen allele CA389793277.